The following is an entry in ClinVar:

NM_005188.4(CBL):c.1163A>T (p.Asp388Val)

Gene: CBL (Cbl proto-oncogene; plus strand). Cytogenetic location: 11q23.3.
Variant type: single nucleotide variant.
Coding change: c.1163A>T on transcript NM_005188.4 (MANE Select); coding-DNA position 1163, A replaced by T.
Protein change: p.Asp388Val; replaces aspartic acid 388 with valine.
Molecular consequence: missense variant.
Genome position (GRCh38, 1-based): chr11:119,278,233, A>T. VCF-style: chr11-119278233-A-T. GRCh37 (hg19) VCF-style: chr11-119148943-A-T.
Other names: short protein forms D388V.
Identifiers: ClinVar variation 3827832 (VCV003827832.1).
Genomic context (GRCh38, chr11:119,278,233, plus strand): 5'-ATGAATTATACTGTGAGATGGGCTCCACATTCCAACTATGTAAAATATGTGCTGAAAATG[A>T]TAAGGATGTAAAGATTGAGCCCTGTGGACACCTCATGTGCACATCCTGTCTTACATCCTG-3'
Protein context (NP_005179.2, residues 378-398): FQLCKICAEN[Asp388Val]KDVKIEPCGH

ClinVar aggregate classification (germline): Uncertain significance (1 of 4 stars; one submission).

Conditions:
Cardiovascular phenotype. Identifiers: MedGen CN230736.

Submission:

Ambry Genetics
Classification: Uncertain significance for Cardiovascular phenotype. Last evaluated: 2025-02-02. Review status: criteria provided, single submitter. Criteria: Ambry Variant Classification Scheme 2023. Collection method: clinical testing. Allele origin: germline.
Comment: The p.D388V variant (also known as c.1163A>T), located in coding exon 8 of the CBL gene, results from an A to T substitution at nucleotide position 1163. The aspartic acid at codon 388 is replaced by valine, an amino acid with highly dissimilar properties. This amino acid position is conserved. In addition, this alteration is predicted to be deleterious by in silico analysis. Based on the available evidence, the clinical significance of this variant remains unclear.